The following is an entry in ClinVar:

NM_000552.5(VWF):c.5510G>A (p.Arg1837Gln)

Gene: VWF (von Willebrand factor; minus strand). Cytogenetic location: 12p13.31.
Variant type: single nucleotide variant.
Coding change: c.5510G>A on transcript NM_000552.5 (MANE Select); coding-DNA position 5510, G replaced by A.
Protein change: p.Arg1837Gln; replaces arginine 1837 with glutamine.
Molecular consequence: missense variant.
Genome position (GRCh38, 1-based): chr12:6,013,591, C>T on the plus strand (G>A on the coding strand, the complement: VWF is on the minus strand). VCF-style: chr12-6013591-C-T. GRCh37 (hg19) VCF-style: chr12-6122757-C-T.
Other names: short protein forms R1837Q.
Identifiers: ClinVar variation 4537868 (VCV004537868.2).

ClinVar aggregate classification (germline): Uncertain significance. Review status: criteria provided, multiple submitters, no conflicts (2 of 4 stars). 2 submissions from 2 submitters: Uncertain significance (2). Last evaluated 2025-07-17.

Conditions:
von Willebrand disease type 3 (VWD3). Also called: Type 3 Von Willebrand's disease; Type 3 VWD; Von Willebrand disease, severe form; V WD3; VON WILLEBRAND DISEASE, TYPE III. Identifiers: Orphanet 166096, MedGen C1264041, MONDO:0010191, OMIM 277480.

gnomAD v4.1: 35 of 1,613,766 alleles (0.0022%); highest among the groups gnomAD compares: Admixed American, 0.012%; no homozygotes.

Submissions (2):

3billion
Classification: Uncertain significance for von Willebrand disease type 3. Last evaluated: 2025-07-17. Review status: criteria provided, single submitter. Criteria: ACMG Guidelines, 2015. Collection method: clinical testing. Allele origin: germline. Affected: yes.
Comment: The variant is observed at an extremely low frequency in the gnomAD v4.1.0 dataset (total allele frequency: 0.002%). Predicted Consequence/Location: Missense variant A different missense change at the same codon (p.Arg1837Trp) has been reported to be associated with VWF-related disorder (PMID: 21534937). However the evidence of pathogenicity is insufficient at this time. Therefore, this variant is classified as VUS according to the recommendation of ACMG/AMP guideline.

GeneDx
Classification: Uncertain significance. Last evaluated: 2025-06-11. Review status: criteria provided, single submitter. Criteria: GeneDx Variant Classification Process June 2021. Collection method: clinical testing. Allele origin: germline. Affected: yes.
Comment: In silico analysis suggests that this missense variant does not alter protein structure/function; De novo variant with confirmed parentage in an individual with autism who had whole exome sequencing (PMID: 28714951); This variant is associated with the following publications: (PMID: 28714951)

Literature cited by the submitters: PubMed 21534937 (cited by 3billion).